The following is an entry in ClinVar:

ClinVar aggregate classification (germline): Benign (3 of 4 stars; one submission).

Conditions:
Breast-ovarian cancer, familial, susceptibility to, 2 (BROVCA2). Also called: BRCA2 Hereditary Breast and Ovarian Cancer. Identifiers: Orphanet 145, MedGen C2675520, MONDO:0012933, OMIM 612555. Disease mechanism: loss of function.

Allele frequency attached by ClinVar (database versions not stated): gnomAD 0.00028 and 0.00044; TOPMed 0.00053; 1000 Genomes Project 30x 0.00203; 1000 Genomes Project 0.00260.

Submission:

Evidence-based Network for the Interpretation of Germline Mutant Alleles (ENIGMA)
Classification: Benign for Breast-ovarian cancer, familial, susceptibility to, 2. Last evaluated: 2016-09-28. Review status: reviewed by expert panel. Criteria: ENIGMA BRCA1/2 Classification Criteria (2015). Collection method: curation. Allele origin: germline.
Comment: Class 1 not pathogenic based on frequency >1% in an outbred sampleset. Frequency 0.0109 (East Asian), derived from 1000 genomes (2013-05-02).

NM_000059.4(BRCA2):c.8332-1523C>T

Gene: BRCA2 (BRCA2 DNA repair associated; plus strand). Cytogenetic location: 13q13.1.
Variant type: single nucleotide variant.
Coding change: c.8332-1523C>T on transcript NM_000059.4 (MANE Select); 1523 bases into the intron before coding-DNA position 8332, C replaced by T.
Molecular consequence: intron variant.
Genome position (GRCh38, 1-based): chr13:32,368,879, C>T. VCF-style: chr13-32368879-C-T. GRCh37 (hg19) VCF-style: chr13-32943016-C-T.
Identifiers: ClinVar variation 264879 (VCV000264879.1), dbSNP rs185686056, ClinGen allele CA10588141.